The following is an entry in ClinVar:

ClinVar aggregate classification (germline): Uncertain significance. Review status: criteria provided, multiple submitters, no conflicts (2 of 4 stars). 2 submissions from 2 submitters: Uncertain significance (2). Last evaluated 2025-05-21.

Conditions:
Inborn genetic diseases. Identifiers: MedGen C0950123, MeSH D030342.
Dyskeratosis congenita. Identifiers: Orphanet 1775, MedGen C0265965, MONDO:0015780.

Allele frequency attached by ClinVar (database versions not stated): gnomAD exomes 0.00001 and 0.00002.
gnomAD v4.1: 3 of 1,610,860 alleles (0.00019%); highest among the groups gnomAD compares: East Asian, 0.0045%; no homozygotes.

Submissions (2):

Ambry Genetics
Classification: Uncertain significance for Inborn genetic diseases. Last evaluated: 2025-05-21. Review status: criteria provided, single submitter. Criteria: Ambry Variant Classification Scheme 2023. Collection method: clinical testing. Allele origin: germline.

Labcorp Genetics (formerly Invitae), Labcorp
Classification: Uncertain significance for Dyskeratosis congenita. Last evaluated: 2021-04-23. Review status: criteria provided, single submitter. Criteria: Invitae Variant Classification Sherloc (09022015). Collection method: clinical testing. Allele origin: germline.
Comment: This variant is not present in population databases (ExAC no frequency). This sequence change replaces serine with glycine at codon 66 of the CTC1 protein (p.Ser66Gly). The serine residue is highly conserved and there is a small physicochemical difference between serine and glycine. This variant has not been reported in the literature in individuals with CTC1-related conditions. In summary, the available evidence is currently insufficient to determine the role of this variant in disease. Therefore, it has been classified as a Variant of Uncertain Significance. Algorithms developed to predict the effect of missense changes on protein structure and function are either unavailable or do not agree on the potential impact of this missense change (SIFT: "Deleterious"; PolyPhen-2: "Probably Damaging"; Align-GVGD: "Class C0").

NM_025099.6(CTC1):c.196A>G (p.Ser66Gly)

Gene: CTC1 (CST telomere replication complex component 1; minus strand). Cytogenetic location: 17p13.1.
Variant type: single nucleotide variant.
Coding change: c.196A>G on transcript NM_025099.6 (MANE Select); coding-DNA position 196, A replaced by G.
Protein change: p.Ser66Gly; replaces serine 66 with glycine.
Molecular consequence: missense variant. On other transcripts: non-coding transcript variant (1).
Genome position (GRCh38, 1-based): chr17:8,242,986, T>C on the plus strand (A>G on the coding strand, the complement: CTC1 is on the minus strand). VCF-style: chr17-8242986-T-C. GRCh37 (hg19) VCF-style: chr17-8146304-T-C.
Other names: c.196A>G (NM_025099.5); short protein forms S66G.
Identifiers: ClinVar variation 1413511 (VCV001413511.9), dbSNP rs1366348022, ClinGen allele CA397995990.
Genomic context (GRCh38, chr17:8,242,986, plus strand): 5'-TCAATCCTGAATTCAATACCTGCCCCTGCCCAGCCCCCGCAACCGCCACCTCTCCTTACC[T>C]ATAGCTGAGGGGCAGTGTAGAACCTTGGTTCCTTCCCTGGGACAACCAGACAGTCTTCAC-3'
Protein context (NP_079375.3, residues 56-76): NQGSTLPLSY[Ser66Gly]FVSVQDLKTH